The following is an entry in ClinVar:

ClinVar aggregate classification (germline): Conflicting classifications of pathogenicity. Review status: criteria provided, conflicting classifications (1 of 4 stars). 8 submissions from 8 submitters: Uncertain significance (6); Likely benign (2). Last evaluated 2025-10-31.

Conditions:
TTN-related disorder. Also called: TTN-related disorders; TTN-related condition; TTN-related disease.
Cardiovascular phenotype. Identifiers: MedGen CN230736.
Autosomal recessive limb-girdle muscular dystrophy type 2J (LGMDR10). Also called: Limb-girdle muscular dystrophy, type 2J; MUSCULAR DYSTROPHY, LIMB-GIRDLE, AUTOSOMAL RECESSIVE 10. Identifiers: Orphanet 140922, MedGen C1837342, MONDO:0012127, OMIM 608807.
Dilated cardiomyopathy 1G (CMD1G). Identifiers: Orphanet 154, MedGen C1858763, MONDO:0011400, OMIM 604145.

Allele frequency attached by ClinVar (database versions not stated): ExAC 0.00002; gnomAD exomes 0.00002 and 0.00003; gnomAD 0.00010 and 0.00011; TOPMed 0.00017.

Submissions (8):

PreventionGenetics, part of Exact Sciences
Classification: Uncertain significance for TTN-related condition. Last evaluated: 2025-10-31. Review status: criteria provided, single submitter. Criteria: ACMG Guidelines, 2015. Collection method: clinical testing. Allele origin: germline.
Comment: The TTN c.7339G>A variant is predicted to result in the amino acid substitution p.Val2447Met. To our knowledge, this variant has not been reported in the literature. This variant is reported in 0.0057% of alleles in individuals of Latino descent in gnomAD. At this time, the clinical significance of this variant is uncertain due to the absence of conclusive functional and genetic evidence.

Blueprint Genetics
Classification: Likely benign. Last evaluated: 2024-11-05. Review status: criteria provided, single submitter. Criteria: ACMG Guidelines, 2015. Collection method: clinical testing. Allele origin: germline.

Women's Health and Genetics/Laboratory Corporation of America, LabCorp
Classification: Uncertain significance. Last evaluated: 2020-11-17. Review status: criteria provided, single submitter. Criteria: LabCorp Variant Classification Summary - May 2015. Collection method: clinical testing. Allele origin: germline.
Comment: Variant summary: TTN c.7339G>A (p.Val2447Met) results in a conservative amino acid change located in the I-band region of the encoded protein sequence. Three of five in-silico tools predict a benign effect of the variant on protein function. The variant allele was found at a frequency of 2.4e-05 in 250384 control chromosomes (gnomAD). The available data on variant occurrences in the general population are insufficient to allow any conclusion about variant significance. To our knowledge, no occurrence of c.71842G>A in individuals affected with Dilated Cardiomyopathy and no experimental evidence demonstrating its impact on protein function have been reported. Three ClinVar submitters (evaluation after 2014) cite the variant as uncertain significance (n=2) or likely benign (n=1). Based on the evidence outlined above, the variant was classified as uncertain significance.

Revvity Omics, Revvity
Classification: Uncertain significance. Last evaluated: 2020-10-20. Review status: criteria provided, single submitter. Criteria: ACMG Guidelines, 2015. Collection method: clinical testing. Allele origin: germline.

Ambry Genetics
Classification: Uncertain significance for Cardiovascular phenotype. Last evaluated: 2020-01-09. Review status: criteria provided, single submitter. Criteria: Ambry Variant Classification Scheme 2023. Collection method: clinical testing. Allele origin: germline.
Comment: The p.V2401M variant (also known as c.7201G>A), located in coding exon 30 of the TTN gene, results from a G to A substitution at nucleotide position 7201. The valine at codon 2401 is replaced by methionine, an amino acid with highly similar properties. This amino acid position is not well conserved in available vertebrate species. In addition, this alteration is predicted to be tolerated by in silico analysis. Since supporting evidence is limited at this time, the clinical significance of this alteration remains unclear.

Eurofins Ntd Llc (ga)
Classification: Uncertain significance. Last evaluated: 2018-03-16. Review status: criteria provided, single submitter. Criteria: EGL ClinVar v180209 classification definitions. Collection method: clinical testing. Allele origin: germline. Observed: 3 variant alleles, 3 heterozygotes.

GeneDx
Classification: Likely benign. Last evaluated: 2017-11-14. Review status: criteria provided, single submitter. Criteria: GeneDx Variant Classification (06012015). Collection method: clinical testing. Allele origin: germline. Affected: yes.
Comment: This variant is considered likely benign or benign based on one or more of the following criteria: it is a conservative change, it occurs at a poorly conserved position in the protein, it is predicted to be benign by multiple in silico algorithms, and/or has population frequency not consistent with disease.

Labcorp Genetics (formerly Invitae), Labcorp
Classification: Uncertain significance for Dilated cardiomyopathy 1G; Autosomal recessive limb-girdle muscular dystrophy type 2J. Last evaluated: 2016-08-15. Review status: criteria provided, single submitter. Criteria: Invitae Variant Classification Sherloc (09022015). Collection method: clinical testing. Allele origin: germline.

Literature cited by the submitters: PubMed 31486067 (cited by Women's Health and Genetics/Laboratory Corporation of America, LabCorp).

NM_001267550.2(TTN):c.7339G>A (p.Val2447Met)

Genes: TTN (titin; minus strand), LOC126806433 (BRD4-independent group 4 enhancer GRCh37_chr2:179638309-179639508; plus strand). Cytogenetic location: 2q31.2.
Variant type: single nucleotide variant.
Coding change: c.7339G>A on transcript NM_001267550.2 (MANE Select); coding-DNA position 7339, G replaced by A.
Protein change: p.Val2447Met; replaces valine 2447 with methionine.
Molecular consequence: missense variant.
Genome position (GRCh38, 1-based): chr2:178,773,717, C>T on the plus strand (G>A on the coding strand, the complement: TTN is on the minus strand). VCF-style: chr2-178773717-C-T. GRCh37 (hg19) VCF-style: chr2-179638444-C-T.
Other names: c.7201G>A, p.Val2401Met (NM_003319.4, NM_133432.3, NM_133437.4); c.7339G>A, p.Val2447Met (NM_133378.4, NM_133379.5, NM_001256850.1); short protein forms V2447M, V2401M.
Identifiers: ClinVar variation 404946 (VCV000404946.16), dbSNP rs779064962, ClinGen allele CA2004824.
Genomic context (GRCh38, chr2:178,773,717, plus strand): 5'-TACATTCAAGCACAGCCTTGGTGCCTTCAATCACATTAACATCTTTTAGAGGTGTTATCA[C>T]GTCCACACCTGCAAAATCATACACACACAAGATGAATGAATTTTGTTGAAATTGTCTGCT-3'
Protein context (NP_001254479.2, residues 2437-2457): SGRVSVYSVD[Val2447Met]ITPLKDVNVI